The following is an entry in ClinVar:

NM_021076.4(NEFH):c.2666A>G (p.Lys889Arg)

Gene: NEFH (neurofilament heavy chain; plus strand). Cytogenetic location: 22q12.2.
Variant type: single nucleotide variant.
Coding change: c.2666A>G on transcript NM_021076.4 (MANE Select); coding-DNA position 2666, A replaced by G.
Protein change: p.Lys889Arg; replaces lysine 889 with arginine.
Molecular consequence: missense variant.
Genome position (GRCh38, 1-based): chr22:29,490,306, A>G. VCF-style: chr22-29490306-A-G. GRCh37 (hg19) VCF-style: chr22-29886295-A-G.
Other names: short protein forms K889R.
Identifiers: ClinVar variation 2428797 (VCV002428797.5), dbSNP rs1318962313, ClinGen allele CA411138335.

ClinVar aggregate classification (germline): Uncertain significance. Review status: criteria provided, multiple submitters, no conflicts (2 of 4 stars). 2 submissions from 2 submitters: Uncertain significance (2). Last evaluated 2026-10-19.

Conditions:
Inborn genetic diseases. Identifiers: MedGen C0950123, MeSH D030342.

Allele frequency attached by ClinVar (database versions not stated): TOPMed 0.00001; gnomAD exomes 0.00002.
gnomAD v4.1: 30 of 1,613,046 alleles (0.0019%); highest among the groups gnomAD compares: Middle Eastern, 0.017%; no homozygotes.

Submissions (2):

GeneDx
Classification: Uncertain significance. Last evaluated: 2026-10-19. Review status: criteria provided, single submitter. Criteria: GeneDx Variant Classification Process June 2021. Collection method: clinical testing. Allele origin: germline.
Comment: Not observed at significant frequency in large population cohorts (gnomAD); In silico analysis suggests that this missense variant does not alter protein structure/function; Has not been previously published as pathogenic or benign to our knowledge

Ambry Genetics
Classification: Uncertain significance for Inborn genetic diseases. Last evaluated: 2025-08-09. Review status: criteria provided, single submitter. Criteria: Ambry Variant Classification Scheme 2023. Collection method: clinical testing. Allele origin: germline.